The following is an entry in ClinVar:

ClinVar aggregate classification (germline): Uncertain significance (1 of 4 stars; one submission).

Allele frequency attached by ClinVar (database versions not stated): TOPMed below 0.00001; gnomAD exomes 0.00003.

Submission:

Labcorp Genetics (formerly Invitae), Labcorp
Classification: Uncertain significance. Last evaluated: 2022-05-18. Review status: criteria provided, single submitter. Criteria: Invitae Variant Classification Sherloc (09022015). Collection method: clinical testing. Allele origin: germline.
Comment: This sequence change replaces proline, which is neutral and non-polar, with serine, which is neutral and polar, at codon 436 of the LIFR protein (p.Pro436Ser). This variant is present in population databases (no rsID available, gnomAD 0.002%). This variant has not been reported in the literature in individuals affected with LIFR-related conditions. Algorithms developed to predict the effect of missense changes on protein structure and function are either unavailable or do not agree on the potential impact of this missense change (SIFT: "Tolerated"; PolyPhen-2: "Probably Damaging"; Align-GVGD: "Class C0"). In summary, the available evidence is currently insufficient to determine the role of this variant in disease. Therefore, it has been classified as a Variant of Uncertain Significance.

NM_001127671.2(LIFR):c.1306C>T (p.Pro436Ser)

Gene: LIFR (LIF receptor subunit alpha; minus strand). Cytogenetic location: 5p13.1.
Variant type: single nucleotide variant.
Coding change: c.1306C>T on transcript NM_001127671.2 (MANE Select); coding-DNA position 1306, C replaced by T.
Protein change: p.Pro436Ser; replaces proline 436 with serine.
Molecular consequence: missense variant.
Genome position (GRCh38, 1-based): chr5:38,504,107, G>A on the plus strand (C>T on the coding strand, the complement: LIFR is on the minus strand). VCF-style: chr5-38504107-G-A. GRCh37 (hg19) VCF-style: chr5-38504209-G-A.
Other names: c.1306C>T, p.Pro436Ser (NM_001364297.2, NM_001364298.2, NM_002310.6); short protein forms P436S.
Identifiers: ClinVar variation 2182427 (VCV002182427.1), dbSNP rs1304287477, ClinGen allele CA359542887.
Genomic context (GRCh38, chr5:38,504,107, plus strand): 5'-GTAAATGCCAAGAAAGTTTAACAGCTGTTGAATTAATATCCTTCACTTTGAATGAAGTAG[G>A]AGTATGGGGATAAACTGCAAATATAATTTTTAAAGATTAAACACTTATTTAAAGGGAAAA-3'
Protein context (NP_001121143.1, residues 426-446): NITEKVYPHT[Pro436Ser]TSFKVKDINS